The following is an entry in ClinVar:

ClinVar aggregate classification (germline): Likely pathogenic. Review status: criteria provided, single submitter (1 of 4 stars). 2 submissions from 2 submitters: Likely pathogenic (1). 1 of the submissions does not count toward it. Last evaluated 2024-09-18.

Conditions:
CDKL5 disorder. Identifiers: MedGen CN296942, MONDO:0100039.
Developmental and epileptic encephalopathy, 2 (DEE2). Also called: INFANTILE SPASM SYNDROME, X-LINKED 2; CDKL5 deficiency disorder. Identifiers: Orphanet 1934, Orphanet 3451, Orphanet 505652, MedGen C4750718, MONDO:0010396, OMIM 300672.

Submissions (2):

Centre for Population Genomics, CPG
Classification: Likely pathogenic for CDKL5 disorder. Last evaluated: 2024-09-18. Review status: criteria provided, single submitter. Criteria: McKnight et al. (Hum Mutat. 2022). Collection method: curation. Allele origin: germline. Inheritance: X-linked inheritance.
Comment: This variant has been collected from RettBASE and curated to current modified ACMG/AMP criteria. Based on the classification scheme defined by the ClinGen Rett/Angelman-like Expert Panel for Rett/AS-like Disorders Specifications to the ACMG/AMP Variant Interpretation Guidelines VCEP 3.0, this variant is classified as likely pathogenic. At least the following criteria are met: This variant is absent from gnomAD v4 (PM2_Supporting). Predicted to result in loss of function, and LOF is a known mechanism of disease (PVS1).

RettBASE
Classification: Pathogenic for Epileptic encephalopathy, early infantile, 2. Last evaluated: 2014-03-13. Review status: no assertion criteria provided. Collection method: curation. Allele origin: unknown. Affected: yes. Observed: 1 variant allele. Not counted in ClinVar's aggregate classification.

Literature cited by the submitters: PubMed 16611748 (cited by RettBASE).

NM_001323289.2(CDKL5):c.2363_2367del (p.Lys788fs)

Gene: CDKL5 (cyclin dependent kinase like 5; plus strand). Cytogenetic location: Xp22.13.
Variant type: Deletion.
Coding change: c.2363_2367del on transcript NM_001323289.2 (MANE Select); coding-DNA positions 2363 to 2367, 5 bases deleted (AGAAA; older notation c.2363_2367delAGAAA).
Protein change: p.Lys788fs; shifts the reading frame from lysine 788.
Molecular consequence: frameshift variant.
Genome position (GRCh38, 1-based): chrX:18,619,953-18,619,957, AGAAA deleted; deleting any 5 consecutive bases within chrX:18,619,952-18,619,957 gives the same sequence; the c. name uses the placement nearest the transcript's 3' end. VCF-style (leftmost placement, unchanged base first): chrX-18619951-GAAGAA-G. GRCh37 (hg19) VCF-style: chrX-18638071-GAAGAA-G.
Other names: NM_001323289.2(CDKL5):c.2363_2367del; p.Lys788fs; c.2363_2367del, p.Lys788fs (NM_001037343.2, NM_003159.3); c.2363_2367delAGAAA (NM_003159.2); short protein forms K788fs.
Identifiers: ClinVar variation 143802 (VCV000143802.4), dbSNP rs267608655, ClinGen allele CA170476.